The following is an entry in ClinVar:

NM_052844.4(DYNC2I2):c.605G>A (p.Arg202Gln)

Gene: DYNC2I2 (dynein 2 intermediate chain 2; minus strand). Cytogenetic location: 9q34.11.
Variant type: single nucleotide variant.
Coding change: c.605G>A on transcript NM_052844.4 (MANE Select); coding-DNA position 605, G replaced by A.
Protein change: p.Arg202Gln; replaces arginine 202 with glutamine.
Molecular consequence: missense variant.
Genome position (GRCh38, 1-based): chr9:128,636,379, C>T on the plus strand (G>A on the coding strand, the complement: DYNC2I2 is on the minus strand). VCF-style: chr9-128636379-C-T. GRCh37 (hg19) VCF-style: chr9-131398658-C-T.
Other names: c.605G>A (NM_052844.3); short protein forms R202Q.
Identifiers: ClinVar variation 1681237 (VCV001681237.7), dbSNP rs777142657, ClinGen allele CA5266546.

ClinVar aggregate classification (germline): Uncertain significance. Review status: criteria provided, multiple submitters, no conflicts (2 of 4 stars). 2 submissions from 2 submitters: Uncertain significance (2). Last evaluated 2025-08-25.

Conditions:
Inborn genetic diseases. Identifiers: MedGen C0950123, MeSH D030342.
Short-rib thoracic dysplasia 11 with or without polydactyly (SRTD11). Also called: SHORT-RIB THORACIC DYSPLASIA 11 WITHOUT POLYDACTYLY. Identifiers: Orphanet 474, Orphanet 93271, MedGen C3810200, MONDO:0014287, OMIM 615633.

Allele frequency attached by ClinVar (database versions not stated): ExAC 0.00001; gnomAD exomes 0.00001; gnomAD 0.00002; TOPMed 0.00005.

Submissions (2):

Ambry Genetics
Classification: Uncertain significance for Inborn genetic diseases. Last evaluated: 2025-08-25. Review status: criteria provided, single submitter. Criteria: Ambry Variant Classification Scheme 2023. Collection method: clinical testing. Allele origin: germline.

Labcorp Genetics (formerly Invitae), Labcorp
Classification: Uncertain significance for Short-rib thoracic dysplasia 11 with or without polydactyly. Last evaluated: 2022-08-22. Review status: criteria provided, single submitter. Criteria: Invitae Variant Classification Sherloc (09022015). Collection method: clinical testing. Allele origin: germline.
Comment: This sequence change replaces arginine, which is basic and polar, with glutamine, which is neutral and polar, at codon 202 of the WDR34 protein (p.Arg202Gln). The frequency data for this variant in the population databases is considered unreliable, as metrics indicate poor data quality at this position in the gnomAD database. This variant has not been reported in the literature in individuals affected with WDR34-related conditions. ClinVar contains an entry for this variant (Variation ID: 1681237). Algorithms developed to predict the effect of missense changes on protein structure and function are either unavailable or do not agree on the potential impact of this missense change (SIFT: "Deleterious"; PolyPhen-2: "Benign"; Align-GVGD: "Class C0"). In summary, the available evidence is currently insufficient to determine the role of this variant in disease. Therefore, it has been classified as a Variant of Uncertain Significance.